The following is an entry in ClinVar:

ClinVar aggregate classification (germline): Uncertain significance (1 of 4 stars; one submission).

Conditions:
Autosomal recessive cerebellar ataxia-saccadic intrusion syndrome. Also called: VPS13D Movement Disorder; SPINOCEREBELLAR ATAXIA 24. Identifiers: Orphanet 95434, MedGen C1846492, MONDO:0011811, OMIM 607317.

gnomAD v4.1: 3 of 1,613,906 alleles (0.00019%); highest among the groups gnomAD compares: Admixed American, 0.0017%; no homozygotes.

Submission:

3billion
Classification: Uncertain significance for Autosomal recessive cerebellar ataxia-saccadic intrusion syndrome. Last evaluated: 2024-01-09. Review status: criteria provided, single submitter. Criteria: ACMG Guidelines, 2015. Collection method: clinical testing. Allele origin: germline. Affected: yes.
Comment: The variant is observed at an extremely low frequency in the gnomAD v2.1.1 dataset (total allele frequency: <0.001%). Predicted Consequence/Location: The majority of the known disease-causing variants of this gene are variants expected to result in premature termination of the protein. In silico tool predictions suggest damaging effect of the variant on gene or gene product [3Cnet: 0.70 (>=0.6, sensitivity 0.72 and precision 0.9)]. Therefore, this variant is classified as VUS according to the recommendation of ACMG/AMP guideline.

NM_015378.4(VPS13D):c.12394C>T (p.Arg4132Trp)

Gene: VPS13D (vacuolar protein sorting 13 homolog D; plus strand). Cytogenetic location: 1p36.22.
Variant type: single nucleotide variant.
Coding change: c.12394C>T on transcript NM_015378.4 (MANE Select); coding-DNA position 12394, C replaced by T.
Protein change: p.Arg4132Trp; replaces arginine 4132 with tryptophan.
Molecular consequence: missense variant.
Genome position (GRCh38, 1-based): chr1:12,456,058, C>T. VCF-style: chr1-12456058-C-T. GRCh37 (hg19) VCF-style: chr1-12516114-C-T.
Other names: c.12319C>T, p.Arg4107Trp (NM_018156.4); short protein forms R4107W, R4132W.
Identifiers: ClinVar variation 3775471 (VCV003775471.1).